The following is an entry in ClinVar:

NM_001080508.3(TBX18):c.1286G>A (p.Arg429Gln)

Gene: TBX18 (T-box transcription factor 18; minus strand). Cytogenetic location: 6q14.3.
Variant type: single nucleotide variant.
Coding change: c.1286G>A on transcript NM_001080508.3 (MANE Select); coding-DNA position 1286, G replaced by A.
Protein change: p.Arg429Gln; replaces arginine 429 with glutamine.
Molecular consequence: missense variant.
Genome position (GRCh38, 1-based): chr6:84,737,223, C>T on the plus strand (G>A on the coding strand, the complement: TBX18 is on the minus strand). VCF-style: chr6-84737223-C-T. GRCh37 (hg19) VCF-style: chr6-85446941-C-T.
Other names: short protein forms R429Q.
Identifiers: ClinVar variation 3006882 (VCV003006882.3), dbSNP rs770214200, ClinGen allele CA3910864.

ClinVar aggregate classification (germline): Uncertain significance (1 of 4 stars; one submission).

Allele frequency attached by ClinVar (database versions not stated): gnomAD 0.00002; gnomAD exomes 0.00002; ExAC 0.00007.

Submission:

Labcorp Genetics (formerly Invitae), Labcorp
Classification: Uncertain significance. Last evaluated: 2025-07-28. Review status: criteria provided, single submitter. Criteria: Invitae Variant Classification Sherloc (09022015). Collection method: clinical testing. Allele origin: germline.
Comment: This sequence change replaces arginine, which is basic and polar, with glutamine, which is neutral and polar, at codon 429 of the TBX18 protein (p.Arg429Gln). This variant is present in population databases (rs770214200, gnomAD 0.03%). This variant has not been reported in the literature in individuals affected with TBX18-related conditions. ClinVar contains an entry for this variant (Variation ID: 3006882). Invitae Evidence Modeling of protein sequence and biophysical properties (such as structural, functional, and spatial information, amino acid conservation, physicochemical variation, residue mobility, and thermodynamic stability) indicates that this missense variant is not expected to disrupt TBX18 protein function with a negative predictive value of 80%. In summary, the available evidence is currently insufficient to determine the role of this variant in disease. Therefore, it has been classified as a Variant of Uncertain Significance.